The following is an entry in ClinVar:

ClinVar aggregate classification (germline): Benign/Likely benign. Review status: criteria provided, multiple submitters, no conflicts (2 of 4 stars). 4 submissions from 4 submitters: Benign (1); Likely benign (3). Last evaluated 2025-06-05.

Conditions:
Hereditary cancer-predisposing syndrome. Also called: Tumor predisposition; Neoplastic Syndromes, Hereditary; Hereditary Cancer Syndrome; Hereditary neoplastic syndrome. Identifiers: Orphanet 140162, MedGen C0027672, MeSH D009386, MONDO:0015356.
Familial cancer of breast. Also called: BREAST CANCER, FAMILIAL; hereditary breast carcinoma; Hereditary breast cancer. Identifiers: Orphanet 227535, MedGen C0346153, MONDO:0016419, OMIM 114480. Disease mechanism: loss of function.
Ataxia-telangiectasia syndrome (AT). Also called: Ataxia-telangiectasia; Ataxia-telangiectasia, complementation group D; AT, COMPLEMENTATION GROUP C; LOUIS-BAR SYNDROME; Cerebello-oculocutaneous telangiectasia; Immunodeficiency with ataxia telangiectasia. Identifiers: Orphanet 100, MedGen C0004135, MONDO:0008840, OMIM 208900.

Allele frequency attached by ClinVar (database versions not stated): ExAC 0.00001; gnomAD 0.00001; gnomAD exomes 0.00001.
gnomAD v4.1: 5 of 1,613,732 alleles (0.00031%); highest among the groups gnomAD compares: South Asian, 0.0011%; no homozygotes.

Submissions (4):

Labcorp Genetics (formerly Invitae), Labcorp
Classification: Likely benign for Ataxia-telangiectasia syndrome. Last evaluated: 2025-06-05. Review status: criteria provided, single submitter. Criteria: Invitae Variant Classification Sherloc (09022015). Collection method: clinical testing. Allele origin: germline.

Myriad Genetics, Inc.
Classification: Benign for Familial cancer of breast. Last evaluated: 2024-05-21. Review status: criteria provided, single submitter. Criteria: Myriad Autosomal Dominant, Autosomal Recessive and X-Linked Classification Criteria (2023). Collection method: clinical testing. Allele origin: unknown.
Comment: This variant is considered benign. This variant is a silent/synonymous amino acid change and it is not expected to impact splicing.

Color Diagnostics, LLC DBA Color Health
Classification: Likely benign for Hereditary cancer-predisposing syndrome. Last evaluated: 2017-10-29. Review status: criteria provided, single submitter. Criteria: ACMG Guidelines, 2015. Collection method: clinical testing. Allele origin: germline.

Ambry Genetics
Classification: Likely benign for Hereditary cancer-predisposing syndrome. Last evaluated: 2015-12-13. Review status: criteria provided, single submitter. Criteria: Ambry Variant Classification Scheme 2023. Collection method: clinical testing. Allele origin: germline.

NM_000051.4(ATM):c.4822T>C (p.Leu1608=)

Gene: ATM (ATM serine/threonine kinase; plus strand). Cytogenetic location: 11q22.3.
Variant type: single nucleotide variant.
Coding change: c.4822T>C on transcript NM_000051.4 (MANE Select); coding-DNA position 4822, T replaced by C.
Protein change: p.Leu1608=; no amino-acid change (leucine 1608 retained).
Molecular consequence: synonymous variant.
Genome position (GRCh38, 1-based): chr11:108,294,972, T>C. VCF-style: chr11-108294972-T-C. GRCh37 (hg19) VCF-style: chr11-108165699-T-C.
Other names: c.4822T>C, p.Leu1608= (NM_001351834.2).
Identifiers: ClinVar variation 490582 (VCV000490582.14), dbSNP rs775464644, ClinGen allele CA6265561.